The following is an entry in ClinVar:

ClinVar aggregate classification (germline): Uncertain significance (1 of 4 stars; one submission).

Conditions:
Hereditary sensory and autonomic neuropathy type 7. Also called: Neuropathy, hereditary sensory and autonomic, type VII; HSAN VII. Identifiers: Orphanet 391397, MedGen C3809882, MONDO:0014244, OMIM 615548.
Familial episodic pain syndrome with predominantly lower limb involvement. Also called: Episodic pain syndrome, familial, 3. Identifiers: Orphanet 391384, Orphanet 391392, MedGen C3809899, MONDO:0014247, OMIM 615552.

Submission:

Labcorp Genetics (formerly Invitae), Labcorp
Classification: Uncertain significance for Familial episodic pain syndrome with predominantly lower limb involvement; Hereditary sensory and autonomic neuropathy type 7. Last evaluated: 2022-05-03. Review status: criteria provided, single submitter. Criteria: Invitae Variant Classification Sherloc (09022015). Collection method: clinical testing. Allele origin: germline.
Comment: In summary, the available evidence is currently insufficient to determine the role of this variant in disease. Therefore, it has been classified as a Variant of Uncertain Significance. Algorithms developed to predict the effect of missense changes on protein structure and function (SIFT, PolyPhen-2, Align-GVGD) all suggest that this variant is likely to be tolerated. This variant has not been reported in the literature in individuals affected with SCN11A-related conditions. This variant is not present in population databases (gnomAD no frequency). This sequence change replaces asparagine, which is neutral and polar, with serine, which is neutral and polar, at codon 820 of the SCN11A protein (p.Asn820Ser).

NM_001349253.2(SCN11A):c.2459A>G (p.Asn820Ser)

Gene: SCN11A (sodium voltage-gated channel alpha subunit 11; minus strand). Cytogenetic location: 3p22.2.
Variant type: single nucleotide variant.
Coding change: c.2459A>G on transcript NM_001349253.2 (MANE Select); coding-DNA position 2459, A replaced by G.
Protein change: p.Asn820Ser; replaces asparagine 820 with serine.
Molecular consequence: missense variant.
Genome position (GRCh38, 1-based): chr3:38,894,909, T>C on the plus strand (A>G on the coding strand, the complement: SCN11A is on the minus strand). VCF-style: chr3-38894909-T-C. GRCh37 (hg19) VCF-style: chr3-38936400-T-C.
Other names: c.2459A>G, p.Asn820Ser (NM_014139.3); short protein forms N820S.
Identifiers: ClinVar variation 2118362 (VCV002118362.4), dbSNP rs1559513966, ClinGen allele CA352175098.
Genomic context (GRCh38, chr3:38,894,909, plus strand): 5'-CGGAATCGATCCAGTGCTAACTGGACTTTAGTTTTCCTGGCCTCTCCTTCTAAGTTTCCA[T>C]TTCTTTCCTCATTGCTAAAGGAATTGAGCAGTAAGGCAATGAAGAGGTTGAGCACCTGGG-3'
Protein context (NP_001336182.1, residues 810-830): LLNSFSNEER[Asn820Ser]GNLEGEARKT